The following is an entry in ClinVar:

ClinVar aggregate classification (germline): Likely benign (1 of 4 stars; one submission).

Allele frequency attached by ClinVar (database versions not stated): 1000 Genomes Project 30x 0.00016; 1000 Genomes Project 0.00020; gnomAD exomes 0.00220; ESP Exome Variant Server 0.00284; ExAC 0.00293.
gnomAD v4.1: 3,706 of 1,613,198 alleles (0.23%); highest among the groups gnomAD compares: Middle Eastern, 1.9%; 33 homozygotes.

Submission:

CeGaT Center for Human Genetics Tuebingen
Classification: Likely benign. Last evaluated: 2022-09-01. Review status: criteria provided, single submitter. Criteria: CeGaT Center For Human Genetics Tuebingen Variant Classification Criteria Version 2. Collection method: clinical testing. Allele origin: germline. Affected: yes. Observed: 2 variant alleles.
Comment: CROCC: BP4, BP7

NM_014675.5(CROCC):c.4587G>A (p.Arg1529=)

Gene: CROCC (ciliary rootlet coiled-coil, rootletin; plus strand). Cytogenetic location: 1p36.13.
Variant type: single nucleotide variant.
Coding change: c.4587G>A on transcript NM_014675.5 (MANE Select); coding-DNA position 4587, G replaced by A.
Protein change: p.Arg1529=; no amino-acid change (arginine 1529 retained).
Molecular consequence: synonymous variant.
Genome position (GRCh38, 1-based): chr1:16,966,010, G>A. VCF-style: chr1-16966010-G-A. GRCh37 (hg19) VCF-style: chr1-17292505-G-A.
Identifiers: ClinVar variation 2638379 (VCV002638379.24), dbSNP rs149111636, ClinGen allele CA635681.